The following is an entry in ClinVar:

ClinVar aggregate classification (germline): Uncertain significance (1 of 4 stars; one submission).

Submission:

GeneDx
Classification: Uncertain significance. Last evaluated: 2023-01-03. Review status: criteria provided, single submitter. Criteria: GeneDx Variant Classification Process June 2021. Collection method: clinical testing. Allele origin: germline. Affected: yes.
Comment: Not observed at significant frequency in large population cohorts (gnomAD); In silico analysis supports that this missense variant has a deleterious effect on protein structure/function; Has not been previously published as pathogenic or benign to our knowledge

NM_006946.4(SPTBN2):c.1447G>A (p.Ala483Thr)

Gene: SPTBN2 (spectrin beta, non-erythrocytic 2; minus strand). Cytogenetic location: 11q13.2.
Variant type: single nucleotide variant.
Coding change: c.1447G>A on transcript NM_006946.4 (MANE Select); coding-DNA position 1447, G replaced by A.
Protein change: p.Ala483Thr; replaces alanine 483 with threonine.
Molecular consequence: missense variant.
Genome position (GRCh38, 1-based): chr11:66,707,722, C>T on the plus strand (G>A on the coding strand, the complement: SPTBN2 is on the minus strand). VCF-style: chr11-66707722-C-T. GRCh37 (hg19) VCF-style: chr11-66475193-C-T.
Other names: c.1468G>A, p.Ala490Thr (NM_001411025.1); short protein forms A483T, A490T.
Identifiers: ClinVar variation 2571831 (VCV002571831.1), dbSNP rs2496357633, ClinGen allele CA381480635.